The following is an entry in ClinVar:

NM_033087.4(ALG2):c.1040del (p.Gly347fs)

Gene: ALG2 (ALG2 alpha-1,3/1,6-mannosyltransferase; minus strand). Cytogenetic location: 9q22.33.
Variant type: Deletion.
Coding change: c.1040del on transcript NM_033087.4 (MANE Select); coding-DNA position 1040, one base deleted (G; older notation c.1040delG).
Protein change: p.Gly347fs; shifts the reading frame from glycine 347.
Molecular consequence: frameshift variant. On other transcripts: non-coding transcript variant (1).
Genome position (GRCh38, 1-based): chr9:99,218,145, C deleted on the plus strand (G on the coding strand, the reverse complement: ALG2 is on the minus strand); the first of 3 consecutive C bases (chr9:99,218,145-99,218,147); deleting any one gives the same sequence. VCF-style (leftmost placement, unchanged base first): chr9-99218144-AC-A. GRCh37 (hg19) VCF-style: chr9-101980426-AC-A.
Other names: c.1040delG (NM_033087.4); short protein forms G347fs.
Identifiers: ClinVar variation 2699 (VCV000002699.16), dbSNP rs387906281, ClinGen allele CA252406.

ClinVar aggregate classification (germline): Pathogenic/Likely pathogenic. Review status: criteria provided, multiple submitters, no conflicts (2 of 4 stars). 4 submissions from 4 submitters: Pathogenic (2); Likely pathogenic (1). 1 of the submissions does not count toward it. Last evaluated 2025-08-18.

Conditions:
Congenital myasthenic syndrome 14. Also called: Myasthenic syndrome, congenital, 14, with tubular aggregates. Identifiers: Orphanet 353327, Orphanet 590, MedGen C4015597, MONDO:0014543, OMIM 616228.
Congenital disorder of glycosylation, type Ii. Also called: ALG2-congenital disorder of glycosylation; ALG2-CDG; CDG Ii. Identifiers: Orphanet 79326, MedGen C1842836, MONDO:0011933, OMIM 607906.

Submissions (4):

Labcorp Genetics (formerly Invitae), Labcorp
Classification: Likely pathogenic for Congenital disorder of glycosylation, type Ii; Congenital myasthenic syndrome 14. Last evaluated: 2025-08-18. Review status: criteria provided, single submitter. Criteria: Invitae Variant Classification Sherloc (09022015). Collection method: clinical testing. Allele origin: germline.
Comment: This sequence change creates a premature translational stop signal (p.Gly347Valfs*27) in the ALG2 gene. While this is not anticipated to result in nonsense mediated decay, it is expected to disrupt the last 70 amino acid(s) of the ALG2 protein. This variant is present in population databases (rs387906281, gnomAD 0.01%). This premature translational stop signal has been observed in individuals with ALG2-related disease (PMID: 12684507; internal data). ClinVar contains an entry for this variant (Variation ID: 2699). Algorithms developed to predict the effect of variants on gene product structure and function are not available or were not evaluated for this variant. Experimental studies have shown that this premature translational stop signal affects ALG2 function (PMID: 12684507, 34980536). In summary, the currently available evidence indicates that the variant is pathogenic, but additional data are needed to prove that conclusively. Therefore, this variant has been classified as Likely Pathogenic.

GeneDx
Classification: Pathogenic. Last evaluated: 2024-10-31. Review status: criteria provided, single submitter. Criteria: GeneDx Variant Classification Process June 2021. Collection method: clinical testing. Allele origin: germline.
Comment: Published functional studies demonstrate a damaging effect, as the variant is a null allele that results in significantly reduced expression (PMID: 34980536); Frameshift variant predicted to result in abnormal protein length as the last 70 amino acids are replaced with 26 different amino acids; Not observed at significant frequency in large population cohorts (gnomAD); This variant is associated with the following publications: (PMID: 12684507, 34980536, 38256263)

Women's Health and Genetics/Laboratory Corporation of America, LabCorp
Classification: Pathogenic for Congenital disorder of glycosylation, type Ii. Last evaluated: 2024-06-10. Review status: criteria provided, single submitter. Criteria: LabCorp Variant Classification Summary - May 2015. Collection method: clinical testing. Allele origin: germline.
Comment: Variant summary: ALG2 c.1040delG (p.Gly347ValfsX27) results in a premature termination codon, predicted to cause a truncation of the encoded protein. The variant allele was found at a frequency of 4.4e-05 in 250348 control chromosomes (gnomAD). This frequency is not significantly higher than estimated for a pathogenic variant in ALG2 causing Congenital Disorder Of Glycosylation, Type 1i, allowing no conclusion about variant significance. c.1040delG has been reported in the literature in individuals affected with features of Congenital Disorder Of Glycosylation, Type 1i (Thiel_2003, Ehrstedt_2022). These publications report experimental evidence evaluating an impact on protein function, indicating that the variant results in a null allele. The following publications have been ascertained in the context of this evaluation (PMID: 12684507, 34980536). ClinVar contains an entry for this variant (Variation ID: 2699). Based on the evidence outlined above, the variant was classified as pathogenic.

OMIM
Classification: Pathogenic for CONGENITAL DISORDER OF GLYCOSYLATION, TYPE Ii. Last evaluated: 2003-06-20. Review status: no assertion criteria provided. Collection method: literature only. Allele origin: germline. Not counted in ClinVar's aggregate classification.

Literature cited by the submitters: PubMed 12684507 (cited by 3 submitters); PubMed 34980536 (cited by Labcorp Genetics (formerly Invitae), Labcorp and Women's Health and Genetics/Laboratory Corporation of America, LabCorp).